The following is an entry in ClinVar:

NM_001142800.2(EYS):c.1321A>C (p.Thr441Pro)

Gene: EYS (EGF-like photoreceptor maintenance factor; minus strand). Cytogenetic location: 6q12.
Variant type: single nucleotide variant.
Coding change: c.1321A>C on transcript NM_001142800.2 (MANE Select); coding-DNA position 1321, A replaced by C.
Protein change: p.Thr441Pro; replaces threonine 441 with proline.
Molecular consequence: missense variant.
Genome position (GRCh38, 1-based): chr6:65,353,596, T>G on the plus strand (A>C on the coding strand, the complement: EYS is on the minus strand). VCF-style: chr6-65353596-T-G. GRCh37 (hg19) VCF-style: chr6-66063489-T-G.
Other names: c.1321A>C, p.Thr441Pro (NM_001142801.2, NM_001292009.2, NM_198283.2); short protein forms T441P.
Identifiers: ClinVar variation 971958 (VCV000971958.10), dbSNP rs1308471912, ClinGen allele CA364661912.

ClinVar aggregate classification (germline): Uncertain significance. Review status: criteria provided, single submitter (1 of 4 stars). 2 submissions from 2 submitters: Uncertain significance (1). 1 of the submissions does not count toward it. Last evaluated 2019-10-16.

Conditions:
Retinitis pigmentosa 25 (RP25). Identifiers: Orphanet 791, MedGen C1864446, MONDO:0011272, OMIM 602772.

Allele frequency attached by ClinVar (database versions not stated): gnomAD exomes below 0.00001; TOPMed below 0.00001; gnomAD 0.00001.
gnomAD v4.1: 2 of 1,612,972 alleles (0.00012%); highest among the groups gnomAD compares: African/African-American, 0.0013%; no homozygotes.

Submissions (2):

Labcorp Genetics (formerly Invitae), Labcorp
Classification: Uncertain significance. Last evaluated: 2019-10-16. Review status: criteria provided, single submitter. Criteria: Invitae Variant Classification Sherloc (09022015). Collection method: clinical testing. Allele origin: germline.
Comment: This variant has not been reported in the literature in individuals with EYS-related conditions. This variant is not present in population databases (ExAC no frequency). This sequence change replaces threonine with proline at codon 441 of the EYS protein (p.Thr441Pro). The threonine residue is moderately conserved and there is a small physicochemical difference between threonine and proline. In summary, the available evidence is currently insufficient to determine the role of this variant in disease. Therefore, it has been classified as a Variant of Uncertain Significance. Algorithms developed to predict the effect of missense changes on protein structure and function output the following: SIFT: "Deleterious"; PolyPhen-2: "Benign"; Align-GVGD: "Class C0". The proline amino acid residue is found in multiple mammalian species, suggesting that this missense change does not adversely affect protein function. These predictions have not been confirmed by published functional studies and their clinical significance is uncertain.

Natera, Inc.
Classification: Uncertain significance for Retinitis pigmentosa type 25. Last evaluated: 2020-11-06. Review status: no assertion criteria provided. Collection method: clinical testing. Allele origin: germline. Not counted in ClinVar's aggregate classification.